The following is an entry in ClinVar:

ClinVar aggregate classification (germline): Benign (1 of 4 stars; one submission).

Allele frequency attached by ClinVar (database versions not stated): gnomAD exomes 0.91410; gnomAD 0.92623 and 0.92806; TOPMed 0.93076; 1000 Genomes Project 30x 0.95440; 1000 Genomes Project 0.95447.
gnomAD v4.1: 998,906 of 1,090,214 alleles (92%); highest among the groups gnomAD compares: East Asian, 100%; 458,098 homozygotes.

Submission:

GeneDx
Classification: Benign. Last evaluated: 2018-06-14. Review status: criteria provided, single submitter. Criteria: GeneDx Variant Classification (06012015). Collection method: clinical testing. Allele origin: germline. Affected: yes.
Comment: This variant is considered likely benign or benign based on one or more of the following criteria: it is a conservative change, it occurs at a poorly conserved position in the protein, it is predicted to be benign by multiple in silico algorithms, and/or has population frequency not consistent with disease.

NM_006073.4(TRDN):c.1274-105A>G

Gene: TRDN (triadin; minus strand). Cytogenetic location: 6q22.31.
Variant type: single nucleotide variant.
Coding change: c.1274-105A>G on transcript NM_006073.4 (MANE Select); 105 bases into the intron before coding-DNA position 1274, A replaced by G.
Molecular consequence: intron variant.
Genome position (GRCh38, 1-based): chr6:123,366,287, T>C on the plus strand (A>G on the coding strand, the complement: TRDN is on the minus strand). VCF-style: chr6-123366287-T-C. GRCh37 (hg19) VCF-style: chr6-123687432-T-C.
Other names: c.1277-105A>G (NM_001251987.2).
Identifiers: ClinVar variation 674814 (VCV000674814.1), dbSNP rs7769808, ClinGen allele CA147256186.